The following is an entry in ClinVar:

NM_177438.3(DICER1):c.2950A>C (p.Asn984His)

Gene: DICER1 (dicer 1, ribonuclease III; minus strand). Cytogenetic location: 14q32.13.
Variant type: single nucleotide variant.
Coding change: c.2950A>C on transcript NM_177438.3 (MANE Select); coding-DNA position 2950, A replaced by C.
Protein change: p.Asn984His; replaces asparagine 984 with histidine.
Molecular consequence: missense variant. On other transcripts: non-coding transcript variant (6).
Genome position (GRCh38, 1-based): chr14:95,106,078, T>G on the plus strand (A>C on the coding strand, the complement: DICER1 is on the minus strand). VCF-style: chr14-95106078-T-G. GRCh37 (hg19) VCF-style: chr14-95572415-T-G.
Other names: c.1267A>C, p.Asn423His (NM_001395697.1); c.2950A>C, p.Asn984His (NM_030621.4, NM_001195573.1, NM_001271282.3 and 13 more transcripts); c.2668A>C, p.Asn890His (NM_001395686.1); c.2545A>C, p.Asn849His (NM_001395687.1, NM_001395688.1, NM_001395689.1 and 2 more transcripts); c.2383A>C, p.Asn795His (NM_001395691.1); short protein forms N890H, N984H, N423H, N795H, N849H.
Identifiers: ClinVar variation 2716149 (VCV002716149.4), dbSNP rs2542785872, ClinGen allele CA390878883.
Genomic context (GRCh38, chr14:95,106,078, plus strand): 5'-GTGTCATCTCTGAAGCCCCTTACCTTGAAGATGTGTGGTCCACATCCAGCAGTGGCTGGT[T>G]GAGATTGGTTAGGTCAAGGTTGTACTTTGTTTTATAATATTCTGCAAAAGTTTCATACTC-3'
Protein context (NP_803187.1, residues 974-994): TKYNLDLTNL[Asn984His]QPLLDVDHTS

ClinVar aggregate classification (germline): Uncertain significance. Review status: criteria provided, multiple submitters, no conflicts (2 of 4 stars). 2 submissions from 2 submitters: Uncertain significance (2). Last evaluated 2023-11-16.

Conditions:
DICER1-related tumor predisposition. Also called: DICER1-related pleuropulmonary blastoma cancer predisposition syndrome; DICER1 syndrome. Identifiers: Orphanet 284343, MedGen C3839822, MONDO:0100216.
Hereditary cancer-predisposing syndrome. Also called: Hereditary neoplastic syndrome; Neoplastic Syndromes, Hereditary; Hereditary Cancer Syndrome; Tumor predisposition. Identifiers: Orphanet 140162, MedGen C0027672, MeSH D009386, MONDO:0015356.

Submissions (2):

Ambry Genetics
Classification: Uncertain significance for Hereditary cancer-predisposing syndrome. Last evaluated: 2023-11-16. Review status: criteria provided, single submitter. Criteria: Ambry Variant Classification Scheme 2023. Collection method: clinical testing. Allele origin: germline.
Comment: The p.N984H variant (also known as c.2950A>C), located in coding exon 17 of the DICER1 gene, results from an A to C substitution at nucleotide position 2950. The asparagine at codon 984 is replaced by histidine, an amino acid with similar properties. This amino acid position is conserved. In addition, this alteration is predicted to be tolerated by in silico analysis. Since supporting evidence is limited at this time, the clinical significance of this alteration remains unclear.

Labcorp Genetics (formerly Invitae), Labcorp
Classification: Uncertain significance for DICER1-related tumor predisposition. Last evaluated: 2023-11-02. Review status: criteria provided, single submitter. Criteria: Invitae Variant Classification Sherloc (09022015). Collection method: clinical testing. Allele origin: germline.
Comment: This sequence change replaces asparagine, which is neutral and polar, with histidine, which is basic and polar, at codon 984 of the DICER1 protein (p.Asn984His). This variant is not present in population databases (gnomAD no frequency). This variant has not been reported in the literature in individuals affected with DICER1-related conditions. Advanced modeling of protein sequence and biophysical properties (such as structural, functional, and spatial information, amino acid conservation, physicochemical variation, residue mobility, and thermodynamic stability) performed at Invitae indicates that this missense variant is not expected to disrupt DICER1 protein function with a negative predictive value of 80%. In summary, the available evidence is currently insufficient to determine the role of this variant in disease. Therefore, it has been classified as a Variant of Uncertain Significance.